The following is an entry in ClinVar:

ClinVar aggregate classification (germline): Pathogenic (1 of 4 stars; one submission).

Submission:

Labcorp Genetics (formerly Invitae), Labcorp
Classification: Pathogenic. Last evaluated: 2022-02-05. Review status: criteria provided, single submitter. Criteria: Invitae Variant Classification Sherloc (09022015). Collection method: clinical testing. Allele origin: germline.
Comment: This variant results in the deletion of exons 3-5 and part of exons 2 and 6 (c.25_529delinsGATCGCCAGA) of the UROD gene. This variant would be expected to be in-frame, preserving the integrity of the reading frame. This variant has been observed in individual(s) with porphyria cutanea tarda and/or UROD-related conditions (PMID: 9792863; Invitae). This variant is also known as 645del1053ins10. For these reasons, this variant has been classified as Pathogenic.

Literature cited by the submitters: PubMed 9792863.

NC_000001.10:g.(?_45478583)_(45479635_?)del

Gene: UROD (uroporphyrinogen decarboxylase; plus strand). Cytogenetic location: 1p34.1.
Variant type: Deletion.
Identifiers: ClinVar variation 1459078 (VCV001459078.5).